The following is an entry in ClinVar:

NM_005633.4(SOS1):c.332A>G (p.His111Arg)

Gene: SOS1 (SOS Ras/Rac guanine nucleotide exchange factor 1; minus strand). Cytogenetic location: 2p22.1.
Variant type: single nucleotide variant.
Coding change: c.332A>G on transcript NM_005633.4 (MANE Select); coding-DNA position 332, A replaced by G.
Protein change: p.His111Arg; replaces histidine 111 with arginine.
Molecular consequence: missense variant.
Genome position (GRCh38, 1-based): chr2:39,058,686, T>C on the plus strand (A>G on the coding strand, the complement: SOS1 is on the minus strand). VCF-style: chr2-39058686-T-C. GRCh37 (hg19) VCF-style: chr2-39285827-T-C.
Other names: c.311A>G, p.His104Arg (NM_001382394.1); c.332A>G, p.His111Arg (NM_001382395.1); short protein forms H111R, H104R.
Identifiers: ClinVar variation 651688 (VCV000651688.8), dbSNP rs1572860651, ClinGen allele CA346373803.

ClinVar aggregate classification (germline): Uncertain significance (1 of 4 stars; one submission).

Conditions:
RASopathy. Also called: rasopathies; Noonan spectrum disorder. Identifiers: Orphanet 536391, MedGen C5555857, MONDO:0021060.

Submission:

Labcorp Genetics (formerly Invitae), Labcorp
Classification: Uncertain significance for RASopathy. Last evaluated: 2023-05-17. Review status: criteria provided, single submitter. Criteria: Invitae Variant Classification Sherloc (09022015). Collection method: clinical testing. Allele origin: germline.
Comment: In summary, the available evidence is currently insufficient to determine the role of this variant in disease. Therefore, it has been classified as a Variant of Uncertain Significance. Advanced modeling of protein sequence and biophysical properties (such as structural, functional, and spatial information, amino acid conservation, physicochemical variation, residue mobility, and thermodynamic stability) performed at Invitae indicates that this missense variant is expected to disrupt SOS1 protein function. ClinVar contains an entry for this variant (Variation ID: 651688). This variant has not been reported in the literature in individuals affected with SOS1-related conditions. This variant is not present in population databases (gnomAD no frequency). This sequence change replaces histidine, which is basic and polar, with arginine, which is basic and polar, at codon 111 of the SOS1 protein (p.His111Arg).